The following is an entry in ClinVar:

ClinVar aggregate classification (germline): Uncertain significance (1 of 4 stars; one submission).

Conditions:
Werner syndrome (WRN). Identifiers: Orphanet 902, MedGen C0043119, MONDO:0010196, OMIM 277700.

Submission:

Labcorp Genetics (formerly Invitae), Labcorp
Classification: Uncertain significance for Werner syndrome. Last evaluated: 2019-10-28. Review status: criteria provided, single submitter. Criteria: Invitae Variant Classification Sherloc (09022015). Collection method: clinical testing. Allele origin: germline.
Comment: This sequence change replaces asparagine with threonine at codon 885 of the WRN protein (p.Asn885Thr). The asparagine residue is moderately conserved and there is a small physicochemical difference between asparagine and threonine. This variant is not present in population databases (ExAC no frequency). This variant has not been reported in the literature in individuals with WRN-related conditions. Algorithms developed to predict the effect of missense changes on protein structure and function are either unavailable or do not agree on the potential impact of this missense change (SIFT: "Deleterious"; PolyPhen-2: "Possibly Damaging"; Align-GVGD: "Class C0"). In summary, the available evidence is currently insufficient to determine the role of this variant in disease. Therefore, it has been classified as a Variant of Uncertain Significance.

NM_000553.6(WRN):c.2654A>C (p.Asn885Thr)

Gene: WRN (WRN RecQ like helicase; plus strand). Cytogenetic location: 8p12.
Variant type: single nucleotide variant.
Coding change: c.2654A>C on transcript NM_000553.6 (MANE Select); coding-DNA position 2654, A replaced by C.
Protein change: p.Asn885Thr; replaces asparagine 885 with threonine.
Molecular consequence: missense variant.
Genome position (GRCh38, 1-based): chr8:31,124,545, A>C. VCF-style: chr8-31124545-A-C. GRCh37 (hg19) VCF-style: chr8-30982061-A-C.
Other names: short protein forms N885T.
Identifiers: ClinVar variation 964248 (VCV000964248.5), dbSNP rs1166678420, ClinGen allele CA370916714.